The following is an entry in ClinVar:

NM_016151.4(TAOK2):c.1285C>T (p.Pro429Ser)

Gene: TAOK2 (TAO kinase 2; plus strand). Cytogenetic location: 16p11.2.
Variant type: single nucleotide variant.
Coding change: c.1285C>T on transcript NM_016151.4 (MANE Select); coding-DNA position 1285, C replaced by T.
Protein change: p.Pro429Ser; replaces proline 429 with serine.
Molecular consequence: missense variant.
Genome position (GRCh38, 1-based): chr16:29,983,527, C>T. VCF-style: chr16-29983527-C-T. GRCh37 (hg19) VCF-style: chr16-29994848-C-T.
Other names: c.1285C>T (NM_016151.2); c.1285C>T, p.Pro429Ser (NM_001252043.2, NM_004783.4); short protein forms P429S.
Identifiers: ClinVar variation 1407930 (VCV001407930.9), dbSNP rs2069686385, ClinGen allele CA395481633.

ClinVar aggregate classification (germline): Uncertain significance. Review status: criteria provided, multiple submitters, no conflicts (2 of 4 stars). 2 submissions from 2 submitters: Uncertain significance (2). Last evaluated 2024-03-04.

Allele frequency attached by ClinVar (database versions not stated): TOPMed 0.00001.
gnomAD v4.1: 2 of 1,612,982 alleles (0.00012%); highest among the groups gnomAD compares: Non-Finnish European, 0.00017%; no homozygotes.

Submissions (2):

Ambry Genetics
Classification: Uncertain significance. Last evaluated: 2024-03-04. Review status: criteria provided, single submitter. Criteria: Ambry Variant Classification Scheme 2023. Collection method: clinical testing. Allele origin: germline.

Labcorp Genetics (formerly Invitae), Labcorp
Classification: Uncertain significance. Last evaluated: 2023-12-11. Review status: criteria provided, single submitter. Criteria: Invitae Variant Classification Sherloc (09022015). Collection method: clinical testing. Allele origin: germline.
Comment: This sequence change replaces proline, which is neutral and non-polar, with serine, which is neutral and polar, at codon 429 of the TAOK2 protein (p.Pro429Ser). This variant is not present in population databases (gnomAD no frequency). This variant has not been reported in the literature in individuals affected with TAOK2-related conditions. ClinVar contains an entry for this variant (Variation ID: 1407930). An algorithm developed to predict the effect of missense changes on protein structure and function (PolyPhen-2) suggests that this variant is likely to be tolerated. In summary, the available evidence is currently insufficient to determine the role of this variant in disease. Therefore, it has been classified as a Variant of Uncertain Significance.